The following is an entry in ClinVar:

NM_001853.4(COL9A3):c.493C>T (p.Leu165Phe)

Gene: COL9A3 (collagen type IX alpha 3 chain; plus strand). Cytogenetic location: 20q13.33.
Variant type: single nucleotide variant.
Coding change: c.493C>T on transcript NM_001853.4 (MANE Select); coding-DNA position 493, C replaced by T.
Protein change: p.Leu165Phe; replaces leucine 165 with phenylalanine.
Molecular consequence: missense variant.
Genome position (GRCh38, 1-based): chr20:62,822,606, C>T. VCF-style: chr20-62822606-C-T. GRCh37 (hg19) VCF-style: chr20-61453958-C-T.
Other names: c.493C>T (NM_001853.3); short protein forms L165F.
Identifiers: ClinVar variation 1588275 (VCV001588275.10), dbSNP rs562414897, ClinGen allele CA9949308.

ClinVar aggregate classification (germline): Conflicting classifications of pathogenicity. Review status: criteria provided, conflicting classifications (1 of 4 stars). 3 submissions from 3 submitters: Uncertain significance (1); Likely benign (2). Last evaluated 2026-01-05.

Allele frequency attached by ClinVar (database versions not stated): TOPMed 0.00001; gnomAD 0.00003; gnomAD exomes 0.00006 and 0.00012; ExAC 0.00009.
gnomAD v4.1: 99 of 1,612,674 alleles (0.0061%); highest among the groups gnomAD compares: South Asian, 0.1%; 1 homozygote.

Submissions (3):

Labcorp Genetics (formerly Invitae), Labcorp
Classification: Likely benign. Last evaluated: 2026-01-05. Review status: criteria provided, single submitter. Criteria: Invitae Variant Classification Sherloc (09022015). Collection method: clinical testing. Allele origin: germline.

Blueprint Genetics
Classification: Likely benign. Last evaluated: 2024-11-18. Review status: criteria provided, single submitter. Criteria: ACMG Guidelines, 2015. Collection method: clinical testing. Allele origin: germline.

GeneDx
Classification: Uncertain significance. Last evaluated: 2023-11-15. Review status: criteria provided, single submitter. Criteria: GeneDx Variant Classification Process June 2021. Collection method: clinical testing. Allele origin: germline. Affected: yes.
Comment: In silico analysis supports that this missense variant does not alter protein structure/function; Has not been previously published as pathogenic or benign to our knowledge